The following is an entry in ClinVar:

ClinVar aggregate classification (germline): Uncertain significance (1 of 4 stars; one submission).

Conditions:
Cardiovascular phenotype. Identifiers: MedGen CN230736.

Allele frequency attached by ClinVar (database versions not stated): gnomAD exomes 0.00001; TOPMed 0.00001.
gnomAD v4.1: 8 of 1,612,958 alleles (0.0005%); highest among the groups gnomAD compares: Non-Finnish European, 0.00059%; no homozygotes.

Submission:

Ambry Genetics
Classification: Uncertain significance for Cardiovascular phenotype. Last evaluated: 2022-10-02. Review status: criteria provided, single submitter. Criteria: Ambry Variant Classification Scheme 2023. Collection method: clinical testing. Allele origin: germline.
Comment: The p.N404S variant (also known as c.1211A>G), located in coding exon 8 of the LMF1 gene, results from an A to G substitution at nucleotide position 1211. The asparagine at codon 404 is replaced by serine, an amino acid with highly similar properties. This amino acid position is conserved. In addition, this alteration is predicted to be tolerated by in silico analysis. Since supporting evidence is limited at this time, the clinical significance of this alteration remains unclear.

NM_022773.4(LMF1):c.1211A>G (p.Asn404Ser)

Gene: LMF1 (lipase maturation factor 1; minus strand). Cytogenetic location: 16p13.3.
Variant type: single nucleotide variant.
Coding change: c.1211A>G on transcript NM_022773.4 (MANE Select); coding-DNA position 1211, A replaced by G.
Protein change: p.Asn404Ser; replaces asparagine 404 with serine.
Molecular consequence: missense variant. On other transcripts: non-coding transcript variant (1).
Genome position (GRCh38, 1-based): chr16:870,750, T>C on the plus strand (A>G on the coding strand, the complement: LMF1 is on the minus strand). VCF-style: chr16-870750-T-C. GRCh37 (hg19) VCF-style: chr16-920750-T-C.
Other names: c.560A>G, p.Asn187Ser (NM_001352017.2, NM_001352021.2); c.812A>G, p.Asn271Ser (NM_001352018.2); c.884A>G, p.Asn295Ser (NM_001352019.2); c.1211A>G, p.Asn404Ser (NM_001352020.1); short protein forms N187S, N295S, N404S, N271S.
Identifiers: ClinVar variation 1750433 (VCV001750433.2), dbSNP rs1450239528, ClinGen allele CA394125961.
Genomic context (GRCh38, chr16:870,750, plus strand): 5'-TATACCCAGCTCCGGGGGACGGGGACCCCAGGCTCATACCTTCCGAAGGCCCCGTAAGTG[T>C]TGACGATGTGAAGAGAGTTGAAGTGGGTGTTCATGACCTGCCTGGAGCTCAGCAAGTTGA-3'
Protein context (NP_073610.2, residues 394-414): NTHFNSLHIV[Asn404Ser]TYGAFGSITK